The following is an entry in ClinVar:

NM_000023.4(SGCA):c.312+11G>A

Gene: SGCA (sarcoglycan alpha; plus strand). Cytogenetic location: 17q21.33.
Variant type: single nucleotide variant.
Coding change: c.312+11G>A on transcript NM_000023.4 (MANE Select); 11 bases into the intron after coding-DNA position 312, G replaced by A.
Molecular consequence: intron variant.
Genome position (GRCh38, 1-based): chr17:50,167,747, G>A. VCF-style: chr17-50167747-G-A. GRCh37 (hg19) VCF-style: chr17-48245108-G-A.
Other names: c.312+11G>A (NM_001135697.3).
Identifiers: ClinVar variation 2055291 (VCV002055291.1), dbSNP rs1017714665, ClinGen allele CA291536189.

ClinVar aggregate classification (germline): Uncertain significance (1 of 4 stars; one submission).

Conditions:
Autosomal recessive limb-girdle muscular dystrophy type 2D (LGMDR3). Also called: DUCHENNE-LIKE AUTOSOMAL RECESSIVE MUSCULAR DYSTROPHY, TYPE 2; ADHALINOPATHY, PRIMARY; MUSCULAR DYSTROPHY, LIMB-GIRDLE, AUTOSOMAL RECESSIVE 3. Identifiers: Orphanet 62, MedGen C2936332, MONDO:0011968, OMIM 608099. Disease mechanism: Affects gamma-sarcoglycan and also disrupts the integrity of the entire sarcoglycan complex..

Allele frequency attached by ClinVar (database versions not stated): gnomAD exomes 0.00001.
gnomAD v4.1: 6 of 1,604,712 alleles (0.00037%); highest among the groups gnomAD compares: African/African-American, 0.0054%; no homozygotes.

Submission:

Labcorp Genetics (formerly Invitae), Labcorp
Classification: Uncertain significance for Autosomal recessive limb-girdle muscular dystrophy type 2D. Last evaluated: 2022-07-27. Review status: criteria provided, single submitter. Criteria: Invitae Variant Classification Sherloc (09022015). Collection method: clinical testing. Allele origin: germline.
Comment: This sequence change falls in intron 3 of the SGCA gene. It does not directly change the encoded amino acid sequence of the SGCA protein. This variant is present in population databases (no rsID available, gnomAD 0.009%). This variant has not been reported in the literature in individuals affected with SGCA-related conditions. Algorithms developed to predict the effect of sequence changes on RNA splicing suggest that this variant may create or strengthen a splice site. In summary, the available evidence is currently insufficient to determine the role of this variant in disease. Therefore, it has been classified as a Variant of Uncertain Significance.